The following is an entry in ClinVar:

ClinVar aggregate classification (germline): Uncertain significance (1 of 4 stars; one submission).

Conditions:
Emery-Dreifuss muscular dystrophy 5, autosomal dominant (EDMD5). Also called: EMERY-DREIFUSS MUSCULAR DYSTROPHY 5. Identifiers: Orphanet 261, MedGen C2751805, MONDO:0013072, OMIM 612999.

gnomAD v4.1: 5 of 1,614,124 alleles (0.00031%); highest among the groups gnomAD compares: African/African-American, 0.0027%; no homozygotes.

Submission:

Labcorp Genetics (formerly Invitae), Labcorp
Classification: Uncertain significance for Emery-Dreifuss muscular dystrophy 5, autosomal dominant. Last evaluated: 2024-02-06. Review status: criteria provided, single submitter. Criteria: Invitae Variant Classification Sherloc (09022015). Collection method: clinical testing. Allele origin: germline.
Comment: This sequence change replaces aspartic acid, which is acidic and polar, with glutamic acid, which is acidic and polar, at codon 60 of the SYNE2 protein (p.Asp60Glu). This variant is present in population databases (rs187499127, gnomAD 0.007%). This variant has not been reported in the literature in individuals affected with SYNE2-related conditions. An algorithm developed to predict the effect of missense changes on protein structure and function (PolyPhen-2) suggests that this variant is likely to be disruptive. In summary, the available evidence is currently insufficient to determine the role of this variant in disease. Therefore, it has been classified as a Variant of Uncertain Significance.

NM_182914.3(SYNE2):c.180C>G (p.Asp60Glu)

Gene: SYNE2 (spectrin repeat containing nuclear envelope protein 2; plus strand). Cytogenetic location: 14q23.2.
Variant type: single nucleotide variant.
Coding change: c.180C>G on transcript NM_182914.3 (MANE Select); coding-DNA position 180, C replaced by G.
Protein change: p.Asp60Glu; replaces aspartic acid 60 with glutamic acid.
Molecular consequence: missense variant.
Genome position (GRCh38, 1-based): chr14:63,941,733, C>G. VCF-style: chr14-63941733-C-G. GRCh37 (hg19) VCF-style: chr14-64408451-C-G.
Other names: c.180C>G, p.Asp60Glu (NM_015180.6); short protein forms D60E.
Identifiers: ClinVar variation 3706800 (VCV003706800.2).
Genomic context (GRCh38, chr14:63,941,733, plus strand): 5'-TTTTTCTTGTGACCTTCTGCAGCACACTTCTCCCTCAGTTATATCCGACCTATTCACAGA[C>G]ATTAAAAAGGGGCATGTCCTCCTGGATCTGCTAGAAGTACTTTCTGGGCAACAGTTGGTA-3'
Protein context (NP_878918.2, residues 50-70): SPSVISDLFT[Asp60Glu]IKKGHVLLDL